The following is an entry in ClinVar:

NM_001035.3(RYR2):c.1397C>A (p.Pro466Gln)

Gene: RYR2 (ryanodine receptor 2; plus strand). Cytogenetic location: 1q43.
Variant type: single nucleotide variant.
Coding change: c.1397C>A on transcript NM_001035.3 (MANE Select); coding-DNA position 1397, C replaced by A.
Protein change: p.Pro466Gln; replaces proline 466 with glutamine.
Molecular consequence: missense variant.
Genome position (GRCh38, 1-based): chr1:237,454,495, C>A. VCF-style: chr1-237454495-C-A. GRCh37 (hg19) VCF-style: chr1-237617795-C-A.
Other names: c.1397C>A (NM_001035.2); short protein forms P466Q.
Identifiers: ClinVar variation 1013875 (VCV001013875.8), dbSNP rs967199869, ClinGen allele CA39784679.
Genomic context (GRCh38, chr1:237,454,495, plus strand): 5'-ATTTGCCTATAGAGTCCGTAAGCCTAAGTCTGCAGGATCTCATTGGCTACTTCCACCCCC[C>A]AGATGAGCATTTAGAGCATGAAGACAAACAGAACAGACTACGAGCCCTGAAGAATCGGCA-3'
Protein context (NP_001026.2, residues 456-476): LQDLIGYFHP[Pro466Gln]DEHLEHEDKQ

ClinVar aggregate classification (germline): Uncertain significance. Review status: criteria provided, multiple submitters, no conflicts (2 of 4 stars). 4 submissions from 4 submitters: Uncertain significance (4). Last evaluated 2026-04-28.

Conditions:
Catecholaminergic polymorphic ventricular tachycardia 1. Also called: VENTRICULAR TACHYCARDIA, CATECHOLAMINERGIC POLYMORPHIC, 1, WITH OR WITHOUT ATRIAL DYSFUNCTION AND/OR DILATED CARDIOMYOPATHY; RYR2-Related Catecholaminergic Polymorphic Ventricular Tachycardia; VENTRICULAR TACHYCARDIA, STRESS-INDUCED POLYMORPHIC 1. Identifiers: Orphanet 3286, MedGen C1631597, MONDO:0011484, OMIM 604772.
Cardiovascular phenotype. Identifiers: MedGen CN230736.
Catecholaminergic polymorphic ventricular tachycardia (CVPT). Also called: Catecholamine-induced polymorphic ventricular tachycardia. Identifiers: Orphanet 3286, MedGen C5574922, MONDO:0017990.

Allele frequency attached by ClinVar (database versions not stated): gnomAD 0.00001; TOPMed 0.00001.
gnomAD v4.1: 4 of 1,613,424 alleles (0.00025%); highest among the groups gnomAD compares: Admixed American, 0.0033%; no homozygotes.

Submissions (4):

Ambry Genetics
Classification: Uncertain significance for Cardiovascular phenotype. Last evaluated: 2026-04-28. Review status: criteria provided, single submitter. Criteria: Ambry Variant Classification Scheme 2023. Collection method: clinical testing. Allele origin: germline.
Comment: The p.P466Q variant (also known as c.1397C>A), located in coding exon 15 of the RYR2 gene, results from a C to A substitution at nucleotide position 1397. The proline at codon 466 is replaced by glutamine, an amino acid with similar properties. This amino acid position is highly conserved in available vertebrate species. In addition, this alteration is predicted to be deleterious by in silico analysis. Based on the available evidence, the clinical significance of this variant remains unclear.

Labcorp Genetics (formerly Invitae), Labcorp
Classification: Uncertain significance for Catecholaminergic polymorphic ventricular tachycardia 1. Last evaluated: 2024-08-06. Review status: criteria provided, single submitter. Criteria: Invitae Variant Classification Sherloc (09022015). Collection method: clinical testing. Allele origin: germline.
Comment: This sequence change replaces proline, which is neutral and non-polar, with glutamine, which is neutral and polar, at codon 466 of the RYR2 protein (p.Pro466Gln). This variant is present in population databases (no rsID available, gnomAD 0.003%). This variant has not been reported in the literature in individuals affected with RYR2-related conditions. ClinVar contains an entry for this variant (Variation ID: 1013875). Advanced modeling of protein sequence and biophysical properties (such as structural, functional, and spatial information, amino acid conservation, physicochemical variation, residue mobility, and thermodynamic stability) performed at Invitae indicates that this missense variant is expected to disrupt RYR2 protein function with a positive predictive value of 95%. In summary, the available evidence is currently insufficient to determine the role of this variant in disease. Therefore, it has been classified as a Variant of Uncertain Significance.

All of Us Research Program, National Institutes of Health
Classification: Uncertain significance for Catecholaminergic polymorphic ventricular tachycardia. Last evaluated: 2023-11-02. Review status: criteria provided, single submitter. Criteria: ACMG Guidelines, 2015. Collection method: clinical testing. Allele origin: germline. Inheritance: Autosomal dominant inheritance. Observed: 1 variant allele, 1 heterozygote.
Comment: This missense variant replaces proline with glutamine at codon 466 of the RYR2 protein. Computational prediction is inconclusive regarding the impact of this variant on protein structure and function (internally defined REVEL score threshold 0.5 < inconclusive < 0.7, PMID: 27666373). To our knowledge, functional studies have not been reported for this variant. This variant has not been reported in individuals affected with RYR2-related disorders in the literature. This variant has been identified in 1/248710 chromosomes in the general population by the Genome Aggregation Database (gnomAD). The available evidence is insufficient to determine the role of this variant in disease conclusively. Therefore, this variant is classified as a Variant of Uncertain Significance.

This study involves interpretation of variants in research participants for the purpose of population health screening. Participant phenotype was not available at the time of variant classification. Additional details can be found in publication PMID: 35346344, PMCID: PMC8962531

ARUP Laboratories, Molecular Genetics and Genomics, ARUP Laboratories
Classification: Uncertain significance. Last evaluated: 2023-08-08. Review status: criteria provided, single submitter. Criteria: ARUP Molecular Germline Variant Investigation Process 2024. Collection method: clinical testing. Allele origin: germline.
Comment: The RYR2 c.1397C>A; p.Pro466Gln variant (rs967199869), to our knowledge, is not reported in the medical literature in association with cardiac arrhythmia but is reported in ClinVar (Variation ID: 1013875). This variant is only observed on one chromosome in the Genome Aggregation Database (1/248,710 alleles), indicating it is not a common polymorphism. Computational analyses are uncertain whether this variant is neutral or deleterious (REVEL: 0.68). Given the lack of clinical and functional data, the significance of the p.Pro466Gln variant is uncertain at this time.